The following is an entry in ClinVar:

NM_024675.4(PALB2):c.1784del (p.Asp595fs)

Gene: PALB2 (partner and localizer of BRCA2; minus strand). Cytogenetic location: 16p12.2.
Variant type: Deletion.
Coding change: c.1784del on transcript NM_024675.4 (MANE Select); coding-DNA position 1784, one base deleted (A; older notation c.1784delA).
Protein change: p.Asp595fs; shifts the reading frame from aspartic acid 595.
Molecular consequence: frameshift variant.
Genome position (GRCh38, 1-based): chr16:23,630,370, T deleted on the plus strand (A on the coding strand, the reverse complement: PALB2 is on the minus strand). VCF-style (leftmost placement, unchanged base first): chr16-23630369-AT-A. GRCh37 (hg19) VCF-style: chr16-23641690-AT-A.
Other names: c.1784delA (NM_024675.4); short protein forms D595fs.
Identifiers: ClinVar variation 1691943 (VCV001691943.4), dbSNP rs2142389365, ClinGen allele CA2573152154.

ClinVar aggregate classification (germline): Pathogenic/Likely pathogenic. Review status: criteria provided, multiple submitters, no conflicts (2 of 4 stars). 4 submissions from 4 submitters: Pathogenic (1); Likely pathogenic (3). Last evaluated 2025-12-29.

Conditions:
Hereditary cancer-predisposing syndrome. Also called: Hereditary Cancer Syndrome; Hereditary neoplastic syndrome; Neoplastic Syndromes, Hereditary; Tumor predisposition. Identifiers: Orphanet 140162, MedGen C0027672, MeSH D009386, MONDO:0015356.
Familial cancer of breast. Also called: BREAST CANCER, FAMILIAL; Hereditary breast cancer; hereditary breast carcinoma. Identifiers: Orphanet 227535, MedGen C0346153, MONDO:0016419, OMIM 114480. Disease mechanism: loss of function.

Submissions (4):

Center for Genomic Medicine, Rigshospitalet, Copenhagen University Hospital
Classification: Likely pathogenic. Last evaluated: 2025-12-29. Review status: criteria provided, single submitter. Criteria: ACMG Guidelines, 2015. Collection method: clinical testing. Allele origin: germline.
Comment: Classification criteria: PVS1, PM2

Labcorp Genetics (formerly Invitae), Labcorp
Classification: Pathogenic for Familial cancer of breast. Last evaluated: 2025-09-20. Review status: criteria provided, single submitter. Criteria: Invitae Variant Classification Sherloc (09022015). Collection method: clinical testing. Allele origin: germline.
Comment: This sequence change creates a premature translational stop signal (p.Asp595Valfs*4) in the PALB2 gene. It is expected to result in an absent or disrupted protein product. Loss-of-function variants in PALB2 are known to be pathogenic (PMID: 17200668, 17200671, 17200672, 24136930, 25099575). This variant is not present in population databases (gnomAD no frequency). This premature translational stop signal has been observed in individual(s) with breast cancer (PMID: 32339256). ClinVar contains an entry for this variant (Variation ID: 1691943). For these reasons, this variant has been classified as Pathogenic.

Baylor Genetics
Classification: Likely pathogenic for Familial cancer of breast. Last evaluated: 2022-02-24. Review status: criteria provided, single submitter. Criteria: ACMG Guidelines, 2015. Collection method: clinical testing. Allele origin: unknown.

Sema4
Classification: Likely pathogenic for Hereditary cancer-predisposing syndrome. Last evaluated: 2021-11-12. Review status: criteria provided, single submitter. Criteria: Sema4 Curation Guidelines. Collection method: curation. Allele origin: germline.
Comment: The PALB2 c.1784delA (p.D595VfsX4) variant has been reported in heterozygosity in at least one individual with breast cancer (PMID: 32339256). This variant causes a frameshift at amino acid 595 that results in premature termination 4 amino acids downstream. At this location, nonsense-mediated decay is predicted to occur, resulting in a loss of gene function. Loss of function variants in PALB2 are known to be pathogenic (PMID: 17200668). This variant is not reported in the population database Genome Aggregation Database (PMID: 32461654), and has not been reported in ClinVar. Based on the current evidence available, this variant is interpreted as likely pathogenic.

Literature cited by the submitters: PubMed 17200668 (cited by Labcorp Genetics (formerly Invitae), Labcorp and Sema4); PubMed 17200671 (cited by Labcorp Genetics (formerly Invitae), Labcorp); PubMed 17200672 (cited by Labcorp Genetics (formerly Invitae), Labcorp); PubMed 24136930 (cited by Labcorp Genetics (formerly Invitae), Labcorp); PubMed 25099575 (cited by Labcorp Genetics (formerly Invitae), Labcorp); PubMed 32339256 (cited by Labcorp Genetics (formerly Invitae), Labcorp and Sema4).